The following is an entry in ClinVar:

ClinVar aggregate classification (germline): Conflicting classifications of pathogenicity. Review status: criteria provided, conflicting classifications (1 of 4 stars). 2 submissions from 2 submitters: Uncertain significance (1); Likely benign (1). Last evaluated 2025-02-23.

Conditions:
Inborn genetic diseases. Identifiers: MedGen C0950123, MeSH D030342.

gnomAD v4.1: 92 of 1,614,168 alleles (0.0057%); highest among the groups gnomAD compares: Admixed American, 0.028%; no homozygotes.

Submissions (2):

Ambry Genetics
Classification: Likely benign for Inborn genetic diseases. Last evaluated: 2025-02-23. Review status: criteria provided, single submitter. Criteria: Ambry Variant Classification Scheme 2023. Collection method: clinical testing. Allele origin: germline.

Labcorp Genetics (formerly Invitae), Labcorp
Classification: Uncertain significance. Last evaluated: 2024-06-03. Review status: criteria provided, single submitter. Criteria: Invitae Variant Classification Sherloc (09022015). Collection method: clinical testing. Allele origin: germline.
Comment: This sequence change replaces arginine, which is basic and polar, with glutamine, which is neutral and polar, at codon 985 of the SPTB protein (p.Arg985Gln). This variant is present in population databases (rs562590442, gnomAD 0.02%). This variant has not been reported in the literature in individuals affected with SPTB-related conditions. Algorithms developed to predict the effect of missense changes on protein structure and function output the following: SIFT: "Not Available"; PolyPhen-2: "Benign"; Align-GVGD: "Not Available". The glutamine amino acid residue is found in multiple mammalian species, which suggests that this missense change does not adversely affect protein function. In summary, the available evidence is currently insufficient to determine the role of this variant in disease. Therefore, it has been classified as a Variant of Uncertain Significance.

NM_001355436.2(SPTB):c.2954G>A (p.Arg985Gln)

Gene: SPTB (spectrin beta, erythrocytic; minus strand). Cytogenetic location: 14q23.3.
Variant type: single nucleotide variant.
Coding change: c.2954G>A on transcript NM_001355436.2 (MANE Select); coding-DNA position 2954, G replaced by A.
Protein change: p.Arg985Gln; replaces arginine 985 with glutamine.
Molecular consequence: missense variant.
Genome position (GRCh38, 1-based): chr14:64,787,011, C>T on the plus strand (G>A on the coding strand, the complement: SPTB is on the minus strand). VCF-style: chr14-64787011-C-T. GRCh37 (hg19) VCF-style: chr14-65253729-C-T.
Other names: NM_000347.5:c.2954G>A; c.2954G>A, p.Arg985Gln (NM_001024858.4, NM_001355437.2); short protein forms R985Q.
Identifiers: ClinVar variation 3612377 (VCV003612377.3).